The following is an entry in ClinVar:

ClinVar aggregate classification (germline): Uncertain significance (1 of 4 stars; one submission).

Conditions:
Developmental and epileptic encephalopathy, 23 (DEE23). Also called: Epileptic encephalopathy, early infantile, 23. Identifiers: Orphanet 411986, MedGen C4014492, MONDO:0014371, OMIM 615859.

Allele frequency attached by ClinVar (database versions not stated): gnomAD exomes below 0.00001 and 0.00001; TOPMed below 0.00001.
gnomAD v4.1: 8 of 1,613,936 alleles (0.0005%); highest among the groups gnomAD compares: Non-Finnish European, 0.00068%; no homozygotes.

Submission:

Labcorp Genetics (formerly Invitae), Labcorp
Classification: Uncertain significance for Developmental and epileptic encephalopathy, 23. Last evaluated: 2021-08-30. Review status: criteria provided, single submitter. Criteria: Invitae Variant Classification Sherloc (09022015). Collection method: clinical testing. Allele origin: germline.
Comment: This sequence change replaces glutamic acid with valine at codon 1906 of the DOCK7 protein (p.Glu1906Val). The glutamic acid residue is highly conserved and there is a moderate physicochemical difference between glutamic acid and valine. This variant is not present in population databases (ExAC no frequency). This variant has not been reported in the literature in individuals affected with DOCK7-related conditions. Algorithms developed to predict the effect of missense changes on protein structure and function (SIFT, PolyPhen-2, Align-GVGD) all suggest that this variant is likely to be disruptive. In summary, the available evidence is currently insufficient to determine the role of this variant in disease. Therefore, it has been classified as a Variant of Uncertain Significance.

NM_001367561.1(DOCK7):c.5750A>T (p.Glu1917Val)

Gene: DOCK7 (dedicator of cytokinesis 7; minus strand). Cytogenetic location: 1p31.3.
Variant type: single nucleotide variant.
Coding change: c.5750A>T on transcript NM_001367561.1 (MANE Select); coding-DNA position 5750, A replaced by T.
Protein change: p.Glu1917Val; replaces glutamic acid 1917 with valine.
Molecular consequence: missense variant.
Genome position (GRCh38, 1-based): chr1:62,475,918, T>A on the plus strand (A>T on the coding strand, the complement: DOCK7 is on the minus strand). VCF-style: chr1-62475918-T-A. GRCh37 (hg19) VCF-style: chr1-62941589-T-A.
Other names: c.5717A>T, p.Glu1906Val (NM_001271999.2); c.5630A>T, p.Glu1877Val (NM_001272000.2); c.5624A>T, p.Glu1875Val (NM_001272001.2); c.5723A>T, p.Glu1908Val (NM_001330614.2); c.5657A>T, p.Glu1886Val (NM_033407.4); short protein forms E1886V, E1906V, E1877V, E1917V, E1908V, E1875V.
Identifiers: ClinVar variation 569924 (VCV000569924.7), dbSNP rs1210855661, ClinGen allele CA340604091.